The following is an entry in ClinVar:

NM_000264.5(PTCH1):c.227C>T (p.Pro76Leu)

Gene: PTCH1 (patched 1; minus strand). Cytogenetic location: 9q22.32.
Variant type: single nucleotide variant.
Coding change: c.227C>T on transcript NM_000264.5 (MANE Select); coding-DNA position 227, C replaced by T.
Protein change: p.Pro76Leu; replaces proline 76 with leucine.
Molecular consequence: missense variant. On other transcripts: 5 prime UTR variant (4), non-coding transcript variant (1).
Genome position (GRCh38, 1-based): chr9:95,506,574, G>A on the plus strand (C>T on the coding strand, the complement: PTCH1 is on the minus strand). VCF-style: chr9-95506574-G-A. GRCh37 (hg19) VCF-style: chr9-98268856-G-A.
Other names: c.29C>T, p.Pro10Leu (NM_001083602.3, NM_001354919.2); c.224C>T, p.Pro75Leu (NM_001083603.3); c.-227C>T (NM_001083604.3, NM_001083605.3, NM_001083606.3 and 1 more transcripts); c.227C>T, p.Pro76Leu (NM_001354918.2); short protein forms P76L, P10L, P75L.
Identifiers: ClinVar variation 3311200 (VCV003311200.1).

ClinVar aggregate classification (germline): Uncertain significance (1 of 4 stars; one submission).

Conditions:
Hereditary cancer-predisposing syndrome. Also called: Neoplastic Syndromes, Hereditary; Tumor predisposition; Hereditary neoplastic syndrome; Hereditary Cancer Syndrome. Identifiers: Orphanet 140162, MedGen C0027672, MeSH D009386, MONDO:0015356.

Submission:

Ambry Genetics
Classification: Uncertain significance for Hereditary cancer-predisposing syndrome. Last evaluated: 2024-06-16. Review status: criteria provided, single submitter. Criteria: Ambry Variant Classification Scheme 2023. Collection method: clinical testing. Allele origin: germline.
Comment: The p.P76L variant (also known as c.227C>T), located in coding exon 2 of the PTCH1 gene, results from a C to T substitution at nucleotide position 227. The proline at codon 76 is replaced by leucine, an amino acid with similar properties. This amino acid position is conserved. In addition, this alteration is predicted to be deleterious by in silico analysis. Based on the available evidence, the clinical significance of this variant remains unclear.